The following is an entry in ClinVar:

NM_024312.5(GNPTAB):c.794G>T (p.Ser265Ile)

Gene: GNPTAB (N-acetylglucosamine-1-phosphate transferase subunits alpha and beta; minus strand). Cytogenetic location: 12q23.2.
Variant type: single nucleotide variant.
Coding change: c.794G>T on transcript NM_024312.5 (MANE Select); coding-DNA position 794, G replaced by T.
Protein change: p.Ser265Ile; replaces serine 265 with isoleucine.
Molecular consequence: missense variant.
Genome position (GRCh38, 1-based): chr12:101,771,135, C>A on the plus strand (G>T on the coding strand, the complement: GNPTAB is on the minus strand). VCF-style: chr12-101771135-C-A. GRCh37 (hg19) VCF-style: chr12-102164913-C-A.
Other names: c.794G>T (NM_024312.4); short protein forms S265I.
Identifiers: ClinVar variation 1494267 (VCV001494267.4), dbSNP rs946939427, ClinGen allele CA242463082.
Genomic context (GRCh38, chr12:101,771,135, plus strand): 5'-TTAGTTTGCTTATTCAATTCTTGAAAATCCTTGGGGTTATTCAGTTTTAGAAGCGCTACA[C>A]TGGCCTCTGAATACAACTGCAACTATCAAATAACAAGAGGATTACACATGAAAAGACTGA-3'
Protein context (NP_077288.2, residues 255-275): VKLLQLYSEA[Ser265Ile]VALLKLNNPK

ClinVar aggregate classification (germline): Uncertain significance. Review status: criteria provided, multiple submitters, no conflicts (2 of 4 stars). 2 submissions from 2 submitters: Uncertain significance (2). Last evaluated 2024-03-19.

Conditions:
Pseudo-Hurler polydystrophy. Also called: ML III; ML III ALPHA/BETA; Type III Mucolipidosis; ML IIIA; Mucolipidosis III Alpha/Beta; MUCOLIPIDOSIS IIIA. Identifiers: Orphanet 423461, Orphanet 577, MedGen C0033788, MONDO:0018931, OMIM 252600.
Mucolipidosis type II. Also called: ML II ALPHA/BETA; Mucolipidosis 2; ML 2; Inclusion cell disease; Leroy Disease; N-acetylglucosamine 1phosphotransferase deficiency. Identifiers: Orphanet 576, MedGen C2673377, MONDO:0009650, OMIM 252500.

Allele frequency attached by ClinVar (database versions not stated): gnomAD exomes below 0.00001; TOPMed below 0.00001; gnomAD 0.00001.
gnomAD v4.1: 3 of 1,613,792 alleles (0.00019%); highest among the groups gnomAD compares: Admixed American, 0.0033%; no homozygotes.

Submissions (2):

GeneDx
Classification: Uncertain significance. Last evaluated: 2024-03-19. Review status: criteria provided, single submitter. Criteria: GeneDx Variant Classification Process June 2021. Collection method: clinical testing. Allele origin: germline. Affected: yes.
Comment: Not observed at significant frequency in large population cohorts (gnomAD); In silico analysis supports that this missense variant has a deleterious effect on protein structure/function; Has not been previously published as pathogenic or benign to our knowledge

Labcorp Genetics (formerly Invitae), Labcorp
Classification: Uncertain significance for Pseudo-Hurler polydystrophy; Mucolipidosis type II. Last evaluated: 2022-08-05. Review status: criteria provided, single submitter. Criteria: Invitae Variant Classification Sherloc (09022015). Collection method: clinical testing. Allele origin: germline.
Comment: This sequence change replaces serine, which is neutral and polar, with isoleucine, which is neutral and non-polar, at codon 265 of the GNPTAB protein (p.Ser265Ile). This variant is present in population databases (no rsID available, gnomAD 0.1%). This variant has not been reported in the literature in individuals affected with GNPTAB-related conditions. ClinVar contains an entry for this variant (Variation ID: 1494267). Algorithms developed to predict the effect of missense changes on protein structure and function are either unavailable or do not agree on the potential impact of this missense change (SIFT: "Deleterious"; PolyPhen-2: "Possibly Damaging"; Align-GVGD: "Class C0"). In summary, the available evidence is currently insufficient to determine the role of this variant in disease. Therefore, it has been classified as a Variant of Uncertain Significance.